The following is an entry in ClinVar:

NM_004329.3(BMPR1A):c.956A>G (p.Asp319Gly)

Gene: BMPR1A (bone morphogenetic protein receptor type 1A; plus strand). Cytogenetic location: 10q23.2.
Variant type: single nucleotide variant.
Coding change: c.956A>G on transcript NM_004329.3 (MANE Select); coding-DNA position 956, A replaced by G.
Protein change: p.Asp319Gly; replaces aspartic acid 319 with glycine.
Molecular consequence: missense variant. On other transcripts: non-coding transcript variant (3).
Genome position (GRCh38, 1-based): chr10:86,919,259, A>G. VCF-style: chr10-86919259-A-G. GRCh37 (hg19) VCF-style: chr10-88679016-A-G.
Other names: c.956A>G, p.Asp319Gly (NM_001406570.1, NM_001406571.1, NM_001406572.1 and 19 more transcripts); c.1031A>G, p.Asp344Gly (NM_001406559.1); c.1004A>G, p.Asp335Gly (NM_001406560.1); c.950A>G, p.Asp317Gly (NM_001406583.1); c.872A>G, p.Asp291Gly (NM_001406584.1, NM_001406585.1, NM_001406586.1 and 2 more transcripts); c.614A>G, p.Asp205Gly (NM_001406589.1); short protein forms D205G, D291G, D317G, D319G, D335G, D344G.
Identifiers: ClinVar variation 3223975 (VCV003223975.2), dbSNP rs2539619039, ClinGen allele CA377460243.

ClinVar aggregate classification (germline): Uncertain significance (1 of 4 stars; one submission).

Conditions:
Hereditary cancer-predisposing syndrome. Also called: Neoplastic Syndromes, Hereditary; Tumor predisposition; Hereditary Cancer Syndrome; Hereditary neoplastic syndrome. Identifiers: Orphanet 140162, MedGen C0027672, MeSH D009386, MONDO:0015356.

Submission:

Ambry Genetics
Classification: Uncertain significance for Hereditary cancer-predisposing syndrome. Last evaluated: 2026-04-20. Review status: criteria provided, single submitter. Criteria: Ambry Variant Classification Scheme 2023. Collection method: clinical testing. Allele origin: germline.
Comment: The p.D319G variant (also known as c.956A>G), located in coding exon 8 of the BMPR1A gene, results from an A to G substitution at nucleotide position 956. The aspartic acid at codon 319 is replaced by glycine, an amino acid with similar properties. This amino acid position is highly conserved in available vertebrate species. In addition, this alteration is predicted to be deleterious by in silico analysis. Based on the available evidence, the clinical significance of this variant remains unclear.